The following is an entry in ClinVar:

ClinVar aggregate classification (germline): Uncertain significance (1 of 4 stars; one submission).

Conditions:
Cardiovascular phenotype. Identifiers: MedGen CN230736.

Submission:

Ambry Genetics
Classification: Uncertain significance for Cardiovascular phenotype. Last evaluated: 2025-05-24. Review status: criteria provided, single submitter. Criteria: Ambry Variant Classification Scheme 2023. Collection method: clinical testing. Allele origin: germline.
Comment: The p.S1937P variant (also known as c.5809T>C), located in coding exon 27 of the SCN10A gene, results from a T to C substitution at nucleotide position 5809. The serine at codon 1937 is replaced by proline, an amino acid with similar properties. This amino acid position is conserved. In addition, the in silico prediction for this alteration is inconclusive. Since supporting evidence is limited at this time, the clinical significance of this alteration remains unclear.

NM_006514.4(SCN10A):c.5809T>C (p.Ser1937Pro)

Gene: SCN10A (sodium voltage-gated channel alpha subunit 10; minus strand). Cytogenetic location: 3p22.2.
Variant type: single nucleotide variant.
Coding change: c.5809T>C on transcript NM_006514.4 (MANE Select); coding-DNA position 5809, T replaced by C.
Protein change: p.Ser1937Pro; replaces serine 1937 with proline.
Molecular consequence: missense variant.
Genome position (GRCh38, 1-based): chr3:38,697,411, A>G on the plus strand (T>C on the coding strand, the complement: SCN10A is on the minus strand). VCF-style: chr3-38697411-A-G. GRCh37 (hg19) VCF-style: chr3-38738902-A-G.
Other names: c.5806T>C, p.Ser1936Pro (NM_001293306.2); c.5515T>C, p.Ser1839Pro (NM_001293307.2); short protein forms S1936P, S1839P, S1937P.
Identifiers: ClinVar variation 2448840 (VCV002448840.3), dbSNP rs1412226048, ClinGen allele CA352152309.